The following is an entry in ClinVar:

ClinVar aggregate classification (germline): Uncertain significance (1 of 4 stars; one submission).

Conditions:
Dyskeratosis congenita. Identifiers: Orphanet 1775, MedGen C0265965, MONDO:0015780.

Allele frequency attached by ClinVar (database versions not stated): gnomAD exomes below 0.00001.
gnomAD v4.1: 4 of 1,611,832 alleles (0.00025%); highest among the groups gnomAD compares: Non-Finnish European, 0.00025%; no homozygotes.

Submission:

Labcorp Genetics (formerly Invitae), Labcorp
Classification: Uncertain significance for Dyskeratosis congenita. Last evaluated: 2024-02-03. Review status: criteria provided, single submitter. Criteria: Invitae Variant Classification Sherloc (09022015). Collection method: clinical testing. Allele origin: germline.
Comment: This sequence change replaces glutamine, which is neutral and polar, with histidine, which is basic and polar, at codon 404 of the CTC1 protein (p.Gln404His). This variant is not present in population databases (gnomAD no frequency). This variant has not been reported in the literature in individuals affected with CTC1-related conditions. ClinVar contains an entry for this variant (Variation ID: 2193999). Advanced modeling of protein sequence and biophysical properties (such as structural, functional, and spatial information, amino acid conservation, physicochemical variation, residue mobility, and thermodynamic stability) performed at Invitae indicates that this missense variant is not expected to disrupt CTC1 protein function with a negative predictive value of 80%. In summary, the available evidence is currently insufficient to determine the role of this variant in disease. Therefore, it has been classified as a Variant of Uncertain Significance.

NM_025099.6(CTC1):c.1212G>C (p.Gln404His)

Gene: CTC1 (CST telomere replication complex component 1; minus strand). Cytogenetic location: 17p13.1.
Variant type: single nucleotide variant.
Coding change: c.1212G>C on transcript NM_025099.6 (MANE Select); coding-DNA position 1212, G replaced by C.
Protein change: p.Gln404His; replaces glutamine 404 with histidine.
Molecular consequence: missense variant. On other transcripts: non-coding transcript variant (1).
Genome position (GRCh38, 1-based): chr17:8,235,280, C>G on the plus strand (G>C on the coding strand, the complement: CTC1 is on the minus strand). VCF-style: chr17-8235280-C-G. GRCh37 (hg19) VCF-style: chr17-8138598-C-G.
Other names: c.1212G>C, p.Gln404His (NM_001411067.1); short protein forms Q404H.
Identifiers: ClinVar variation 2193999 (VCV002193999.4), dbSNP rs2507925301, ClinGen allele CA397985075.